The following is an entry in ClinVar:

ClinVar aggregate classification (germline): Likely benign. Review status: criteria provided, multiple submitters, no conflicts (2 of 4 stars). 5 submissions from 4 submitters: Likely benign (5). Last evaluated 2025-12-26.

Conditions:
Familial cutaneous telangiectasia and oropharyngeal predisposition cancer syndrome. Identifiers: Orphanet 313846, MedGen C3281203, MONDO:0013806, OMIM 614564.
Seckel syndrome 1 (SCKL1). Also called: MICROCEPHALIC PRIMORDIAL DWARFISM I. Identifiers: Orphanet 808, MedGen C4551474, MONDO:0008869, OMIM 210600.
Inborn genetic diseases. Identifiers: MedGen C0950123, MeSH D030342.

Allele frequency attached by ClinVar (database versions not stated): gnomAD 0.00001; gnomAD exomes 0.00003 and 0.00009; TOPMed 0.00004; ExAC 0.00008.

Submissions (5):

Labcorp Genetics (formerly Invitae), Labcorp
Classification: Likely benign. Last evaluated: 2025-12-26. Review status: criteria provided, single submitter. Criteria: Invitae Variant Classification Sherloc (09022015). Collection method: clinical testing. Allele origin: germline.

Genome-Nilou Lab
Classification: Likely benign for Seckel syndrome 1. Last evaluated: 2023-02-08. Review status: criteria provided, single submitter. Criteria: ACMG Guidelines, 2015. Collection method: clinical testing. Allele origin: germline.

Genome-Nilou Lab
Classification: Likely benign for Familial cutaneous telangiectasia and oropharyngeal predisposition cancer syndrome. Last evaluated: 2023-02-08. Review status: criteria provided, single submitter. Criteria: ACMG Guidelines, 2015. Collection method: clinical testing. Allele origin: germline.

CeGaT Center for Human Genetics Tuebingen
Classification: Likely benign. Last evaluated: 2023-01-01. Review status: criteria provided, single submitter. Criteria: CeGaT Center For Human Genetics Tuebingen Variant Classification Criteria Version 2. Collection method: clinical testing. Allele origin: germline. Affected: yes. Observed: 1 variant allele.
Comment: ATR: BP4, BP7

Ambry Genetics
Classification: Likely benign for Inborn genetic diseases. Last evaluated: 2022-02-15. Review status: criteria provided, single submitter. Criteria: Ambry Variant Classification Scheme 2023. Collection method: clinical testing. Allele origin: germline.

NM_001184.4(ATR):c.6433T>C (p.Leu2145=)

Gene: ATR (ATR checkpoint kinase; minus strand). Cytogenetic location: 3q23.
Variant type: single nucleotide variant.
Coding change: c.6433T>C on transcript NM_001184.4 (MANE Select); coding-DNA position 6433, T replaced by C.
Protein change: p.Leu2145=; no amino-acid change (leucine 2145 retained).
Molecular consequence: synonymous variant.
Genome position (GRCh38, 1-based): chr3:142,469,456, A>G on the plus strand (T>C on the coding strand, the complement: ATR is on the minus strand). VCF-style: chr3-142469456-A-G. GRCh37 (hg19) VCF-style: chr3-142188298-A-G.
Other names: c.6241T>C, p.Leu2081= (NM_001354579.2).
Identifiers: ClinVar variation 1134975 (VCV001134975.35), dbSNP rs754739284, ClinGen allele CA2649336.